The following is an entry in ClinVar:

NM_000267.3(NF1):c.6757del

Gene: NF1 (neurofibromin 1; plus strand). Cytogenetic location: 17q11.2.
Variant type: Deletion.
Coding change: c.6757del on transcript NM_000267.3; coding-DNA position 6757, one base deleted (G; older notation c.6757delG).
Genome position (GRCh38, 1-based): chr17:31,338,704, G deleted; the last of 2 consecutive G bases (chr17:31,338,703-31,338,704); deleting either gives the same sequence. VCF-style (leftmost placement, unchanged base first): chr17-31338702-AG-A. GRCh37 (hg19) VCF-style: chr17-29665720-AG-A.
Identifiers: ClinVar variation 3774928 (VCV003774928.1).

ClinVar aggregate classification (germline): Pathogenic (1 of 4 stars; one submission).

Submission:

GeneDx
Classification: Pathogenic. Last evaluated: 2024-09-25. Review status: criteria provided, single submitter. Criteria: GeneDx Variant Classification Process June 2021. Collection method: clinical testing. Allele origin: germline. Affected: yes.
Comment: Frameshift variant predicted to result in protein truncation or nonsense mediated decay in a gene for which loss of function is a known mechanism of disease; Observed in an individual with prostate adenocarcinoma and parathyroid adenoma, who also harbored a loss of function variant in CDKN1B and who had a reported family history of NF1 (PMID: 32052251); Not observed at significant frequency in large population cohorts (gnomAD); This variant is associated with the following publications: (PMID: 32052251, 12746402, 25211147)